The following is an entry in ClinVar:

ClinVar aggregate classification (germline): Pathogenic/Likely pathogenic. Review status: criteria provided, multiple submitters, no conflicts (2 of 4 stars). 3 submissions from 3 submitters: Pathogenic (1); Likely pathogenic (2). Last evaluated 2025-02-19.

Conditions:
ATP1A3-associated neurological disorder. Also called: ATP1A3-related neurologic disorders. Identifiers: MedGen CN305087, MONDO:0700002.
Dystonia 12 (DYT12). Also called: DYT-ATP1A3; Rapid-Onset Dystonia-Parkinsonism (RDP). Identifiers: Orphanet 71517, MedGen C1868681, MONDO:0007496, OMIM 128235.

Submissions (3):

Labcorp Genetics (formerly Invitae), Labcorp
Classification: Pathogenic for Dystonia 12. Last evaluated: 2025-02-19. Review status: criteria provided, single submitter. Criteria: Invitae Variant Classification Sherloc (09022015). Collection method: clinical testing. Allele origin: germline.
Comment: This variant, c.410_412del, results in the deletion of 1 amino acid(s) of the ATP1A3 protein (p.Ser137del), but otherwise preserves the integrity of the reading frame. This variant is not present in population databases (gnomAD no frequency). This variant has been observed in individuals with dystonia (PMID: 25359261). It has also been observed to segregate with disease in related individuals. This variant is also known as c.443_445del (p.Ser148del). ClinVar contains an entry for this variant (Variation ID: 503717). Experimental studies and prediction algorithms are not available or were not evaluated, and the functional significance of this variant is currently unknown. This variant disrupts a region of the ATP1A3 protein in which other variant(s) (p.Ser137Phe) have been determined to be pathogenic (PMID: 22842232, 26297560, 26410222). This suggests that this is a clinically significant region of the protein, and that variants that disrupt it are likely to be disease-causing. For these reasons, this variant has been classified as Pathogenic.

Molecular Genetics, Royal Melbourne Hospital
Classification: Likely pathogenic for ATP1A3-associated neurological disorder. Last evaluated: 2021-11-11. Review status: criteria provided, single submitter. Criteria: ACMG Guidelines, 2015. Collection method: clinical testing. Allele origin: germline. Affected: yes.
Comment: This sequence change is predicted to cause a change in the length of the protein due to an in-frame deletion of one amino acid in a non-repeat region of the ATP1A3 protein (p.(Ser137del)). The region deleted is highly conserved (100 vertebrates, UCSC), and is located in a transmembrane helical region. This variant is absent from gnomAD v2.1 and v3.1. This variant has been reported in at least two probands with dystonia-parkinsonism, and has been reported to segregate with disease in eight affected family members from a single family (Royal Melbourne Hospital; PMID: 25359261, described as c.443_445delGAG, p.Ser148del). It has been classified as a variant of uncertain significance and likely pathogenic (ClinVar ID: 503717). Furthermore, two missense variants at the same position (p.Ser137Phe and p.Ser137Tyr) have been identified in cases with alternating hemiplegia of childhood (PMID: 22842232). Based on the classification scheme RMH Modified ACMG Guidelines v1.4.0, this variant is classified as LIKELY PATHOGENIC. Following criteria are met: PP1_Strong, PS4_Supporting, PM2_Supporting, PM4_Supporting.

GeneDx
Classification: Likely pathogenic. Last evaluated: 2018-01-25. Review status: criteria provided, single submitter. Criteria: GeneDx Variant Classification (06012015). Collection method: clinical testing. Allele origin: germline. Affected: yes.
Comment: The c.410_412delCCT variant in the ATP1A3 gene has been reported previously to segregate in a family with dystonia, with one unaffected family member also reported to harbor the c.410_412delCCT variant suggesting reduced penetrance for this variant (Wilcox et al., 2014). This variant causes an in-frame deletion of codon Serine 137, denoted p.Ser137del. The c.410_412delCCT variant is not observed in large population cohorts (Lek et al., 2016). In-silico analyses, including protein predictors and evolutionary conservation, support a deleterious effect. We interpret c.410_412delCCT as a likely pathogenic variant.

Literature cited by the submitters: PubMed 25359261 (cited by Labcorp Genetics (formerly Invitae), Labcorp and Molecular Genetics, Royal Melbourne Hospital); PubMed 22842232 (cited by Labcorp Genetics (formerly Invitae), Labcorp and Molecular Genetics, Royal Melbourne Hospital); PubMed 26297560 (cited by Labcorp Genetics (formerly Invitae), Labcorp); PubMed 26410222 (cited by Labcorp Genetics (formerly Invitae), Labcorp).

NM_152296.5(ATP1A3):c.410_412del (p.Ser137del)

Gene: ATP1A3 (ATPase Na+/K+ transporting subunit alpha 3; minus strand). Cytogenetic location: 19q13.2.
Variant type: Deletion.
Coding change: c.410_412del on transcript NM_152296.5 (MANE Select); coding-DNA positions 410 to 412, 3 bases deleted (CCT; older notation c.410_412delCCT).
Protein change: p.Ser137del; deletes serine 137.
Molecular consequence: inframe deletion.
Genome position (GRCh38, 1-based): chr19:41,986,175-41,986,177, AGG deleted on the plus strand (CCT on the coding strand, the reverse complement: ATP1A3 is on the minus strand); deleting any 3 consecutive bases within chr19:41,986,175-41,986,179 gives the same sequence; the c. name uses the placement nearest the transcript's 3' end. VCF-style (leftmost placement, unchanged base first): chr19-41986174-TAGG-T. GRCh37 (hg19) VCF-style: chr19-42490326-TAGG-T.
Other names: c.410_412delCCT (NM_152296.5); c.443_445del, p.Ser148del (NM_001256213.2); c.449_451del, p.Ser150del (NM_001256214.2); short protein forms S137del, S150del, S148del.
Identifiers: ClinVar variation 503717 (VCV000503717.11), dbSNP rs1555865385, ClinGen allele CA658799249.